The following is an entry in ClinVar:

NM_005876.5(SPEG):c.1901C>G (p.Pro634Arg)

Gene: SPEG (striated muscle enriched protein kinase; plus strand). Cytogenetic location: 2q35.
Variant type: single nucleotide variant.
Coding change: c.1901C>G on transcript NM_005876.5 (MANE Select); coding-DNA position 1901, C replaced by G.
Protein change: p.Pro634Arg; replaces proline 634 with arginine.
Molecular consequence: missense variant.
Genome position (GRCh38, 1-based): chr2:219,449,059, C>G. VCF-style: chr2-219449059-C-G. GRCh37 (hg19) VCF-style: chr2-220313781-C-G.
Other names: short protein forms P634R.
Identifiers: ClinVar variation 1932225 (VCV001932225.4), dbSNP rs1420285158, ClinGen allele CA350724955.

ClinVar aggregate classification (germline): Uncertain significance (1 of 4 stars; one submission).

Allele frequency attached by ClinVar (database versions not stated): gnomAD 0.00001.
gnomAD v4.1: 8 of 1,517,532 alleles (0.00053%); highest among the groups gnomAD compares: Non-Finnish European, 0.00071%; no homozygotes.

Submission:

Labcorp Genetics (formerly Invitae), Labcorp
Classification: Uncertain significance. Last evaluated: 2022-02-09. Review status: criteria provided, single submitter. Criteria: Invitae Variant Classification Sherloc (09022015). Collection method: clinical testing. Allele origin: germline.
Comment: This variant has not been reported in the literature in individuals affected with SPEG-related conditions. This variant is not present in population databases (gnomAD no frequency). This sequence change replaces proline, which is neutral and non-polar, with arginine, which is basic and polar, at codon 634 of the SPEG protein (p.Pro634Arg). In summary, the available evidence is currently insufficient to determine the role of this variant in disease. Therefore, it has been classified as a Variant of Uncertain Significance. Algorithms developed to predict the effect of missense changes on protein structure and function are either unavailable or do not agree on the potential impact of this missense change (SIFT: "Deleterious"; PolyPhen-2: "Probably Damaging"; Align-GVGD: "Class C0").